The following is an entry in ClinVar:

ClinVar aggregate classification (germline): Uncertain significance. Review status: criteria provided, multiple submitters, no conflicts (2 of 4 stars). 3 submissions from 3 submitters: Uncertain significance (3). Last evaluated 2025-04-16.

Conditions:
Retinitis pigmentosa 71 (RP71). Identifiers: Orphanet 791, MedGen C4225342, MONDO:0014618, OMIM 616394.
Short-rib thoracic dysplasia 10 with or without polydactyly (SRTD10). Identifiers: Orphanet 474, MedGen C3810175, MONDO:0014284, OMIM 615630.
IFT172-related disorder. Also called: IFT172-related disorders; IFT172-related condition.
Bardet-Biedl syndrome (BBS). Identifiers: Orphanet 110, MedGen C0752166, MONDO:0015229.

Allele frequency attached by ClinVar (database versions not stated): ExAC 0.00002; gnomAD 0.00002; gnomAD exomes 0.00002; TOPMed 0.00004; ESP Exome Variant Server 0.00008.
gnomAD v4.1: 98 of 1,614,040 alleles (0.0061%); highest among the groups gnomAD compares: Non-Finnish European, 0.0078%; no homozygotes.

Submissions (3):

PreventionGenetics, part of Exact Sciences
Classification: Uncertain significance for IFT172-related condition. Last evaluated: 2025-04-16. Review status: criteria provided, single submitter. Criteria: ACMG Guidelines, 2015. Collection method: clinical testing. Allele origin: germline.
Comment: The IFT172 c.3053G>A variant is predicted to result in the amino acid substitution p.Arg1018His. This variant has been observed in an individual with a clinical diagnosis of blindness and interpreted as uncertain significance (Table S12, Diñeiro et al. 2020. PubMed ID: 32483926). This variant is reported in 0.0039% of alleles in individuals of European (non-Finnish) descent in gnomAD. At this time, the clinical significance of this variant is uncertain due to the absence of conclusive functional and genetic evidence.

Labcorp Genetics (formerly Invitae), Labcorp
Classification: Uncertain significance for Retinitis pigmentosa 71; Short-rib thoracic dysplasia 10 with or without polydactyly. Last evaluated: 2023-10-03. Review status: criteria provided, single submitter. Criteria: Invitae Variant Classification Sherloc (09022015). Collection method: clinical testing. Allele origin: germline.
Comment: This sequence change replaces arginine, which is basic and polar, with histidine, which is basic and polar, at codon 1018 of the IFT172 protein (p.Arg1018His). This variant is present in population databases (rs375879787, gnomAD 0.004%). This variant has not been reported in the literature in individuals affected with IFT172-related conditions. ClinVar contains an entry for this variant (Variation ID: 1059423). Advanced modeling of protein sequence and biophysical properties (such as structural, functional, and spatial information, amino acid conservation, physicochemical variation, residue mobility, and thermodynamic stability) performed at Invitae indicates that this missense variant is expected to disrupt IFT172 protein function. In summary, the available evidence is currently insufficient to determine the role of this variant in disease. Therefore, it has been classified as a Variant of Uncertain Significance.

Blueprint Genetics
Classification: Uncertain significance. Last evaluated: 2021-05-31. Review status: criteria provided, single submitter. Criteria: ACMG Guidelines, 2015. Collection method: clinical testing. Allele origin: germline.

NM_015662.3(IFT172):c.3053G>A (p.Arg1018His)

Gene: IFT172 (intraflagellar transport 172; minus strand). Cytogenetic location: 2p23.3.
Variant type: single nucleotide variant.
Coding change: c.3053G>A on transcript NM_015662.3 (MANE Select); coding-DNA position 3053, G replaced by A.
Protein change: p.Arg1018His; replaces arginine 1018 with histidine.
Molecular consequence: missense variant.
Genome position (GRCh38, 1-based): chr2:27,457,899, C>T on the plus strand (G>A on the coding strand, the complement: IFT172 is on the minus strand). VCF-style: chr2-27457899-C-T. GRCh37 (hg19) VCF-style: chr2-27680766-C-T.
Other names: c.3053G>A (NM_015662.2); short protein forms R1018H.
Identifiers: ClinVar variation 1059423 (VCV001059423.11), dbSNP rs375879787, ClinGen allele CA1580094.